The following is an entry in ClinVar:

NM_002335.4(LRP5):c.34CTG[6] (p.Leu18_Leu20del)

Gene: LRP5 (LDL receptor related protein 5; plus strand). Cytogenetic location: 11q13.2.
Variant type: Microsatellite.
Coding change: c.34CTG[6] on transcript NM_002335.4 (MANE Select); six copies in a row of the 3-base unit CTG starting at c.34; the reference has nine copies in a row; three copies, 9 bases deleted; also written c.52_60del.
Protein change: p.Leu18_Leu20del.
Molecular consequence: inframe deletion. On other transcripts: 5 prime UTR variant (1).
Genome position (GRCh38, 1-based): chr11:68,312,766-68,312,774, CTGCTGCTG deleted; deleting any 9 consecutive bases within chr11:68,312,747-68,312,774 gives the same sequence; the position shown is the placement nearest the transcript's 3' end. VCF-style (leftmost placement, unchanged base first): chr11-68312746-CGCTGCTGCT-C. GRCh37 (hg19) VCF-style: chr11-68080214-CGCTGCTGCT-C.
Other names: p.Leu18_Leu20del; c.52_60del (NM_002335.4); c.-1732CTG[6] (NM_001291902.2); c.52_60delCTGCTGCTG (NM_002335.2).
Identifiers: ClinVar variation 204504 (VCV000204504.71), dbSNP rs72555376, ClinGen allele CA248373.

ClinVar aggregate classification (germline): Benign/Likely benign. Review status: criteria provided, multiple submitters, no conflicts (2 of 4 stars). 12 submissions from 11 submitters: Benign (4); Likely benign (5). 3 of the submissions do not count toward it. Last evaluated 2026-02-02.

Conditions:
Disorder of bone. Also called: Rare bone disease related to a common gene or pathway defect; Bone disorder; Bone disease. Identifiers: Orphanet 364803, MedGen C0005940, MONDO:0005381.
Autosomal dominant polycystic liver disease. Also called: Polycystic liver disease; Congenital cystic disease of liver. Identifiers: Orphanet 2924, MedGen C0158683, MONDO:0000447, HP:0006557.
Osteogenesis imperfecta (OI). Identifiers: Orphanet 666, MedGen C0029434, MeSH D010013, MONDO:0019019.

Submissions (12):

Labcorp Genetics (formerly Invitae), Labcorp
Classification: Benign. Last evaluated: 2026-02-02. Review status: criteria provided, single submitter. Criteria: Invitae Variant Classification Sherloc (09022015). Collection method: clinical testing. Allele origin: germline.

Mayo Clinic Laboratories, Mayo Clinic
Classification: Benign. Last evaluated: 2025-09-25. Review status: criteria provided, single submitter. Criteria: ACMG Guidelines, 2015. Collection method: clinical testing. Allele origin: germline. Observed: 7 variant alleles.
Comment: BA1

CeGaT Center for Human Genetics Tuebingen
Classification: Likely benign. Last evaluated: 2025-03-01. Review status: criteria provided, single submitter. Criteria: CeGaT Center For Human Genetics Tuebingen Variant Classification Criteria Version 2. Collection method: clinical testing. Allele origin: germline. Affected: yes. Observed: 15 variant alleles.
Comment: LRP5: BS1

Laboratory of Genetics, Children's Clinical University Hospital Latvia
Classification: Likely benign. Last evaluated: 2025-02-16. Review status: criteria provided, single submitter. Criteria: ACMG Guidelines, 2015. Collection method: clinical testing. Allele origin: germline. Affected: yes.

Blueprint Genetics
Classification: Likely benign. Last evaluated: 2024-11-27. Review status: criteria provided, single submitter. Criteria: ACMG Guidelines, 2015. Collection method: clinical testing. Allele origin: germline.

Genome Diagnostics Laboratory, The Hospital for Sick Children
Classification: Benign for Disorder of bone. Last evaluated: 2024-11-12. Review status: criteria provided, single submitter. Criteria: ACMG Guidelines, 2015. Collection method: clinical testing. Allele origin: germline. Affected: yes.
Comment: This variant is predicted to cause an in-frame deletion of 3 amino acids in a repetitive region. This variant is observed at an allele frequency of 1.3% (13832 of 1061146 alleles) in populations of the Genome Aggregation Database (gnomAD), including 75 homozygotes. This variant is classified as benign (BS1, BS2, BP5, BP6)

Genome Diagnostics Laboratory, The Hospital for Sick Children
Classification: Likely benign for Osteogenesis imperfecta. Last evaluated: 2022-03-21. Review status: criteria provided, single submitter. Criteria: ACMG Guidelines, 2015. Collection method: clinical testing. Allele origin: germline.

GeneDx
Classification: Benign. Last evaluated: 2019-10-08. Review status: criteria provided, single submitter. Criteria: GeneDx Variant Classification Process June 2021. Collection method: clinical testing. Allele origin: germline. Affected: yes.
Comment: This variant is associated with the following publications: (PMID: 21151595, 12579474, 16234968, 19177549)

Eurofins Ntd Llc (ga)
Classification: Likely benign. Last evaluated: 2017-11-16. Review status: criteria provided, single submitter. Criteria: EGL Classification Definitions 2015. Collection method: clinical testing. Allele origin: germline. Observed: 2 variant alleles, 2 heterozygotes.

Laboratory of Gastroenterology and Hepatology, Radboud University Medical Center
Classification: Uncertain significance for Autosomal dominant polycystic liver disease. Last evaluated: 2021-09-01. Review status: no assertion criteria provided. Collection method: research. Allele origin: germline. Affected: yes. Not counted in ClinVar's aggregate classification.

Genome Diagnostics Laboratory, Amsterdam University Medical Center
Classification: Likely benign. Review status: no assertion criteria provided. Collection method: clinical testing. Allele origin: germline. Affected: yes. Study: VKGL Data-share Consensus. Not counted in ClinVar's aggregate classification.

Genome Diagnostics Laboratory, University Medical Center Utrecht
Classification: Likely benign. Review status: no assertion criteria provided. Collection method: clinical testing. Allele origin: germline. Affected: yes. Study: VKGL Data-share Consensus. Not counted in ClinVar's aggregate classification.

Literature cited by the submitters: PubMed 12579474 (cited by Mayo Clinic Laboratories, Mayo Clinic and Eurofins Ntd Llc (ga)); PubMed 16234968 (cited by Mayo Clinic Laboratories, Mayo Clinic and Eurofins Ntd Llc (ga)); PubMed 19177549 (cited by Mayo Clinic Laboratories, Mayo Clinic and Eurofins Ntd Llc (ga)); PubMed 21151595 (cited by Eurofins Ntd Llc (ga)); I:\T\Sequencing\Sequencing Data for Analysis\LRP5\LRP5_exon1_repeat.docx (cited by Eurofins Ntd Llc (ga)).